The following is an entry in ClinVar:

ClinVar aggregate classification (germline): Likely pathogenic (1 of 4 stars; one submission).

Conditions:
Ciliopathy. Also called: Ciliopathies. Identifiers: Orphanet 363250, MedGen C4277690, MONDO:0005308, MeSH D000072661.

Submission:

Myriad Genetics, Inc.
Classification: Likely pathogenic for Ciliopathy. Last evaluated: 2021-12-16. Review status: criteria provided, single submitter. Criteria: Myriad Autosomal Dominant, Autosomal Recessive and X-Linked Classification Criteria (2023). Collection method: clinical testing. Allele origin: unknown.
Comment: NM_017777.3(MKS1):c.946_947delAA(N316Wfs*10) is expected to be pathogenic in the context of MKS1-related disorders. This variant is predicted to lead to an abnormal or absent protein product due to the creation of a premature termination codon in MKS1, a gene where loss-of-function variants are known to be pathogenic. Please note: this variant was assessed in the context of healthy population screening.

NM_017777.4(MKS1):c.946_947del (p.Asn316fs)

Gene: MKS1 (MKS transition zone complex subunit 1; minus strand). Cytogenetic location: 17q22.
Variant type: Deletion.
Coding change: c.946_947del on transcript NM_017777.4 (MANE Select); coding-DNA positions 946 to 947, 2 bases deleted (AA; older notation c.946_947delAA).
Protein change: p.Asn316fs; shifts the reading frame from asparagine 316.
Molecular consequence: frameshift variant.
Genome position (GRCh38, 1-based): chr17:58,210,991-58,210,992, TT deleted on the plus strand (AA on the coding strand, the reverse complement: MKS1 is on the minus strand); deleting any 2 consecutive bases within chr17:58,210,991-58,210,993 gives the same sequence; the c. name uses the placement nearest the transcript's 3' end. VCF-style (leftmost placement, unchanged base first): chr17-58210990-ATT-A. GRCh37 (hg19) VCF-style: chr17-56288351-ATT-A.
Other names: c.337_338del, p.Asn113fs (NM_001321268.2); c.946_947del, p.Asn316fs (NM_001321269.2, NM_001330397.2); c.945_946delAA, p.Asn316Trpfs (NM_001411113.1); short protein forms N113fs, N316fs.
Identifiers: ClinVar variation 1726316 (VCV001726316.3), dbSNP rs2509428405, ClinGen allele CA2580094421.
Genomic context (GRCh38, chr17:58,210,990, plus strand): 5'-TCTAGGCACGTGCCTAAGCATCAAGAGATCTATGCTAGCAAGACACTTACCGACCTCTCC[ATT>A]TACAAAGAGCCGGAGGGCACCTGGGACAGTCTAAGGTGAAGAGAAGTGGGAAAGGATCAG-3'